The following is an entry in ClinVar:

ClinVar aggregate classification (germline): Uncertain significance (1 of 4 stars; one submission).

Conditions:
Hereditary cancer-predisposing syndrome. Also called: Neoplastic Syndromes, Hereditary; Tumor predisposition; Hereditary neoplastic syndrome; Hereditary Cancer Syndrome. Identifiers: Orphanet 140162, MedGen C0027672, MeSH D009386, MONDO:0015356.

Submission:

Ambry Genetics
Classification: Uncertain significance for Hereditary cancer-predisposing syndrome. Last evaluated: 2025-05-05. Review status: criteria provided, single submitter. Criteria: Ambry Variant Classification Scheme 2023. Collection method: clinical testing. Allele origin: germline.
Comment: The c.4585_4587delGACinsAAG variant (also known as p.D1529K), located in coding exon 29 of the ALK gene, results from an in-frame deletion of GAC and insertion of AAG at nucleotide positions 4585 to 4587. This results in the substitution of the aspartic acid residue for a lysine residue at codon 1529, an amino acid with dissimilar properties. This amino acid position is poorly conserved in available vertebrate species. Based on the available evidence, the clinical significance of this variant remains unclear.

NM_004304.5(ALK):c.4585_4587delinsAAG (p.Asp1529Lys)

Gene: ALK (ALK receptor tyrosine kinase; minus strand). Cytogenetic location: 2p23.2.
Variant type: Indel.
Coding change: c.4585_4587delinsAAG on transcript NM_004304.5 (MANE Select); coding-DNA positions 4585 to 4587, GAC replaced by AAG.
Protein change: p.Asp1529Lys; replaces aspartic acid 1529 with lysine.
Molecular consequence: missense variant.
Genome position (GRCh38, 1-based): chr2:29,193,500-29,193,502, GTC replaced by CTT on the plus strand (GAC replaced by AAG on the coding strand, the reverse complement: ALK is on the minus strand). VCF-style: chr2-29193500-GTC-CTT. GRCh37 (hg19) VCF-style: chr2-29416366-GTC-CTT.
Other names: c.1381_1383delinsAAG, p.Asp461Lys (NM_001353765.2); short protein forms D1529K, D461K.
Identifiers: ClinVar variation 4040057 (VCV004040057.1).